The following is an entry in ClinVar:

NM_020070.4(IGLL1):c.207-9T>A

Gene: IGLL1 (immunoglobulin lambda like polypeptide 1; minus strand). Cytogenetic location: 22q11.23.
Variant type: single nucleotide variant.
Coding change: c.207-9T>A on transcript NM_020070.4 (MANE Select); 9 bases into the intron before coding-DNA position 207, T replaced by A.
Molecular consequence: intron variant.
Genome position (GRCh38, 1-based): chr22:23,575,091, A>T on the plus strand (T>A on the coding strand, the complement: IGLL1 is on the minus strand). VCF-style: chr22-23575091-A-T. GRCh37 (hg19) VCF-style: chr22-23917278-A-T.
Other names: c.207-1506T>A (NM_152855.3); c.207-6T>A (NM_001369906.1).
Identifiers: ClinVar variation 538831 (VCV000538831.16), dbSNP rs201800585, ClinGen allele CA10143384.
Genomic context (GRCh38, chr22:23,575,091, plus strand): 5'-CCCCCGGGGCCAGCACCTGGGGCCAGTCCAGGAGCCGCGCTGGAGCAGGAACCTGCTGGG[A>T]GTGAGGGGCACAGGGCTGCAGTGTGTAGGCTGTGACCCAGGCACAGGGTAGGGGGGTGGC-3'

ClinVar aggregate classification (germline): Benign/Likely benign. Review status: criteria provided, multiple submitters, no conflicts (2 of 4 stars). 4 submissions from 4 submitters: Benign (3); Likely benign (1). Last evaluated 2026-04-16.

Conditions:
Agammaglobulinemia 2, autosomal recessive (AGM2). Also called: AGAMMAGLOBULINEMIA, AUTOSOMAL RECESSIVE, DUE TO IGLL1 DEFECT. Identifiers: MedGen C3150750, MONDO:0013287, OMIM 613500.

Allele frequency attached by ClinVar (database versions not stated): 1000 Genomes Project 30x 0.00047; TOPMed 0.00118; gnomAD 0.00132 and 0.00137; gnomAD exomes 0.00152 and 0.00153; ESP Exome Variant Server 0.00154; 1000 Genomes Project 0.00160; ExAC 0.00250.
gnomAD v4.1: 2,388 of 1,598,610 alleles (0.15%); highest among the groups gnomAD compares: Non-Finnish European, 0.18%; 6 homozygotes.

Submissions (5):

Women's Health and Genetics/Laboratory Corporation of America, LabCorp
Classification: Benign. Last evaluated: 2026-04-16. Review status: criteria provided, single submitter. Criteria: LabCorp Variant Classification Summary - May 2015. Collection method: clinical testing. Allele origin: germline.
Comment: Variant summary: IGLL1 c.207-9T>A alters a nucleotide located at a position not widely known to affect splicing. Several computational tools predict a significant impact on normal splicing: Three predict the variant weakens a 3' acceptor site. However, these predictions have yet to be confirmed by functional studies. The variant allele was found at a frequency of 0.0015 in 250946 control chromosomes, predominantly at a frequency of 0.0027 within the Non-Finnish European subpopulation in the gnomAD database, including 1 homozygotes. The observed variant frequency within Non-Finnish European control individuals in the gnomAD database exceeds the estimated maximal expected allele frequency for disease-causing variants in IGLL1. To our knowledge, no occurrence of c.207-9T>A in individuals affected with IGLL1-related conditions and no experimental evidence demonstrating its impact on protein function have been reported. ClinVar contains an entry for this variant (Variation ID: 538831). Based on the evidence outlined above, the variant was classified as benign.

Labcorp Genetics (formerly Invitae), Labcorp
Classification: Benign for Agammaglobulinemia 2, autosomal recessive. Last evaluated: 2026-01-25. Review status: criteria provided, single submitter. Criteria: Invitae Variant Classification Sherloc (09022015). Collection method: clinical testing. Allele origin: germline.

Blueprint Genetics
Classification: Likely benign. Last evaluated: 2024-10-16. Review status: criteria provided, single submitter. Criteria: ACMG Guidelines, 2015. Collection method: clinical testing. Allele origin: germline.

Breakthrough Genomics
Classification: Benign. Review status: criteria provided, single submitter. Criteria: ACMG Guidelines, 2015. Collection method: not provided. Allele origin: germline. Inheritance: Autosomal recessive inheritance. Affected: yes.

Dr. Peter K. Rogan Lab, Western University
No classification provided (evidence only). Condition: Familial cancer of breast. Review status: no classification provided. Collection method: in vitro. Allele origin: not applicable. Functional consequence: retained intron. Not counted in ClinVar's aggregate classification.